The following is an entry in ClinVar:

NM_175875.5(SIX5):c.1852T>C (p.Ser618Pro)

Gene: SIX5 (SIX homeobox 5; minus strand). Cytogenetic location: 19q13.32.
Variant type: single nucleotide variant.
Coding change: c.1852T>C on transcript NM_175875.5 (MANE Select); coding-DNA position 1852, T replaced by C.
Protein change: p.Ser618Pro; replaces serine 618 with proline.
Molecular consequence: missense variant.
Genome position (GRCh38, 1-based): chr19:45,765,869, A>G on the plus strand (T>C on the coding strand, the complement: SIX5 is on the minus strand). VCF-style: chr19-45765869-A-G. GRCh37 (hg19) VCF-style: chr19-46269127-A-G.
Other names: short protein forms S618P.
Identifiers: ClinVar variation 805459 (VCV000805459.21), dbSNP rs1600396951, ClinGen allele CA406416741.
Genomic context (GRCh38, chr19:45,765,869, plus strand): 5'-GGGAGAAGGGCAGGCTGGTGCTGGAGGTGGTGGCAGCGGCGGGGGGTGGCTGCTGTGCAG[A>G]AAGGGTGCCTAGGGCGTGAGCCTCTGGGAGAGCAGGGCTGGGGGCCACCGGGAGGCCTCC-3'
Protein context (NP_787071.3, residues 608-628): LPEAHALGTL[Ser618Pro]AQQPPPAAAT

ClinVar aggregate classification (germline): Uncertain significance. Review status: criteria provided, multiple submitters, no conflicts (2 of 4 stars). 5 submissions from 5 submitters: Uncertain significance (5). Last evaluated 2024-09-01.

Conditions:
Branchiootorenal syndrome 2 (BOR2). Identifiers: Orphanet 107, MedGen C1970479, MONDO:0012575, OMIM 610896.

Allele frequency attached by ClinVar (database versions not stated): gnomAD exomes 0.00001.
gnomAD v4.1: 13 of 1,597,698 alleles (0.00081%); highest among the groups gnomAD compares: African/African-American, 0.016%; no homozygotes.

Submissions (5):

CeGaT Center for Human Genetics Tuebingen
Classification: Uncertain significance. Last evaluated: 2024-09-01. Review status: criteria provided, single submitter. Criteria: CeGaT Center For Human Genetics Tuebingen Variant Classification Criteria Version 2. Collection method: clinical testing. Allele origin: germline. Affected: yes. Observed: 1 variant allele.

Labcorp Genetics (formerly Invitae), Labcorp
Classification: Uncertain significance. Last evaluated: 2024-05-15. Review status: criteria provided, single submitter. Criteria: Invitae Variant Classification Sherloc (09022015). Collection method: clinical testing. Allele origin: germline.
Comment: This sequence change replaces serine, which is neutral and polar, with proline, which is neutral and non-polar, at codon 618 of the SIX5 protein (p.Ser618Pro). This variant is not present in population databases (gnomAD no frequency). This variant has not been reported in the literature in individuals affected with SIX5-related conditions. ClinVar contains an entry for this variant (Variation ID: 805459). Advanced modeling of protein sequence and biophysical properties (such as structural, functional, and spatial information, amino acid conservation, physicochemical variation, residue mobility, and thermodynamic stability) performed at Invitae indicates that this missense variant is not expected to disrupt SIX5 protein function with a negative predictive value of 80%. In summary, the available evidence is currently insufficient to determine the role of this variant in disease. Therefore, it has been classified as a Variant of Uncertain Significance.

Blueprint Genetics
Classification: Uncertain significance. Last evaluated: 2023-11-01. Review status: criteria provided, single submitter. Criteria: ACMG Guidelines, 2015. Collection method: clinical testing. Allele origin: germline.

Fulgent Genetics
Classification: Uncertain significance for Branchiootorenal syndrome 2. Last evaluated: 2022-03-25. Review status: criteria provided, single submitter. Criteria: ACMG Guidelines, 2015. Collection method: clinical testing. Allele origin: unknown.

Athena Diagnostics
Classification: Uncertain significance. Last evaluated: 2019-03-04. Review status: criteria provided, single submitter. Criteria: Athena Diagnostics Criteria. Collection method: clinical testing. Allele origin: germline.